The following is an entry in ClinVar:

NM_001353694.2(TIAM1):c.41A>G (p.Tyr14Cys)

Gene: TIAM1 (TIAM Rac1 associated GEF 1; minus strand). Cytogenetic location: 21q22.11.
Variant type: single nucleotide variant.
Coding change: c.41A>G on transcript NM_001353694.2 (MANE Select); coding-DNA position 41, A replaced by G.
Protein change: p.Tyr14Cys; replaces tyrosine 14 with cysteine.
Molecular consequence: missense variant.
Genome position (GRCh38, 1-based): chr21:31,266,932, T>C on the plus strand (A>G on the coding strand, the complement: TIAM1 is on the minus strand). VCF-style: chr21-31266932-T-C. GRCh37 (hg19) VCF-style: chr21-32639248-T-C.
Other names: c.41A>G, p.Tyr14Cys (NM_001353686.2, NM_001353687.2, NM_001353688.1 and 6 more transcripts); short protein forms Y14C.
Identifiers: ClinVar variation 3602277 (VCV003602277.1).
Genomic context (GRCh38, chr21:31,266,932, plus strand): 5'-TGCGAGAGGCGCAGGGAGCGGGAAGTGTGCTTGCGCCCCAGGCTGGCATGCTTTTCTCCA[T>C]AAAACTCGTGCTCTACATGTTGACTTTCTGCGTTTCCCATGGTTTTATGGTCTGCAGCAA-3'
Protein context (NP_001340623.1, residues 4-24): AESQHVEHEF[Tyr14Cys]GEKHASLGRK

ClinVar aggregate classification (germline): Uncertain significance (1 of 4 stars; one submission).

gnomAD v4.1: 8 of 1,610,722 alleles (0.0005%); highest among the groups gnomAD compares: Admixed American, 0.01%; no homozygotes.

Submission:

GeneDx
Classification: Uncertain significance. Last evaluated: 2024-07-29. Review status: criteria provided, single submitter. Criteria: GeneDx Variant Classification Process June 2021. Collection method: clinical testing. Allele origin: germline. Affected: yes.
Comment: In silico analysis supports that this missense variant has a deleterious effect on protein structure/function; Has not been previously published as pathogenic or benign to our knowledge